The following is an entry in ClinVar:

ClinVar aggregate classification (germline): Pathogenic (1 of 4 stars; one submission).

Conditions:
Cardiac anomalies - developmental delay - facial dysmorphism syndrome (MRFACD). Also called: Impaired intellectual development and distinctive facial features with or without cardiac defects; MED13L Syndrome. Identifiers: Orphanet 369891, MedGen C5192431, MONDO:0014773, OMIM 616789.

Submission:

Molecular Genetics Laboratory, Motol Hospital
Classification: Pathogenic for Cardiac anomalies - developmental delay - facial dysmorphism syndrome. Last evaluated: 2025-01-07. Review status: criteria provided, single submitter. Criteria: ACMG Guidelines, 2015. Collection method: clinical testing. Allele origin: de novo. Affected: yes. Observed: 1 variant allele.
Comment: This variant was found to be of a de novo origin. Rare truncating variants affecting the MED13L gene leading to MED13L haploinsufficiency are well documented as a molecular cause of "impaired intellectual development and distinctive facial features with or without cardiac defects" (MRFACD; OMIM:616789; PMID:24781716;25712080;23403903;25758992). To conclude, the variant is classified as likely pathogenic (ACMG PVS1, PM2, PS2).

Literature cited by the submitters: PubMed 24781716; PubMed 25712080; PubMed 23403903; PubMed 25758992.

NM_015335.5(MED13L):c.215G>A (p.Trp72Ter)

Gene: MED13L (mediator complex subunit 13L; minus strand). Cytogenetic location: 12q24.21.
Variant type: single nucleotide variant.
Coding change: c.215G>A on transcript NM_015335.5 (MANE Select); coding-DNA position 215, G replaced by A.
Protein change: p.Trp72Ter; replaces tryptophan 72 with a stop codon.
Molecular consequence: nonsense.
Genome position (GRCh38, 1-based): chr12:116,237,563, C>T on the plus strand (G>A on the coding strand, the complement: MED13L is on the minus strand). VCF-style: chr12-116237563-C-T. GRCh37 (hg19) VCF-style: chr12-116675368-C-T.
Other names: short protein forms W72*.
Identifiers: ClinVar variation 3544375 (VCV003544375.2).
Genomic context (GRCh38, chr12:116,237,563, plus strand): 5'-GGTTCATCTCCCCACCAGAATATCCATAACTCTTTGCAATCTGGTTTGACATCACGACGC[C>T]ATACACAAAGCAGGTTAGCTTGCAGACAGCGGATGAAACTTAACAGAATTGGATCATCTT-3'